The following is an entry in ClinVar:

ClinVar aggregate classification (germline): Uncertain significance (1 of 4 stars; one submission).

gnomAD v4.1: 2 of 1,612,960 alleles (0.00012%); highest among the groups gnomAD compares: Non-Finnish European, 0.00017%; no homozygotes.

Submission:

Labcorp Genetics (formerly Invitae), Labcorp
Classification: Uncertain significance. Last evaluated: 2025-11-19. Review status: criteria provided, single submitter. Criteria: Invitae Variant Classification Sherloc (09022015). Collection method: clinical testing. Allele origin: germline.
Comment: This sequence change replaces cysteine, which is neutral and slightly polar, with tyrosine, which is neutral and polar, at codon 1370 of the LRP5 protein (p.Cys1370Tyr). This variant is not present in population databases (gnomAD no frequency). This variant has not been reported in the literature in individuals affected with LRP5-related conditions. An algorithm developed to predict the effect of missense changes on protein structure and function (PolyPhen-2) suggests that this variant is likely to be disruptive. In summary, the available evidence is currently insufficient to determine the role of this variant in disease. Therefore, it has been classified as a Variant of Uncertain Significance.

NM_002335.4(LRP5):c.4109G>A (p.Cys1370Tyr)

Gene: LRP5 (LDL receptor related protein 5; plus strand). Cytogenetic location: 11q13.2.
Variant type: single nucleotide variant.
Coding change: c.4109G>A on transcript NM_002335.4 (MANE Select); coding-DNA position 4109, G replaced by A.
Protein change: p.Cys1370Tyr; replaces cysteine 1370 with tyrosine.
Molecular consequence: missense variant.
Genome position (GRCh38, 1-based): chr11:68,436,997, G>A. VCF-style: chr11-68436997-G-A. GRCh37 (hg19) VCF-style: chr11-68204465-G-A.
Other names: c.2366G>A, p.Cys789Tyr (NM_001291902.2); short protein forms C1370Y, C789Y.
Identifiers: ClinVar variation 4782211 (VCV004782211.1).